The following is an entry in ClinVar:

ClinVar aggregate classification (germline): Uncertain significance. Review status: criteria provided, multiple submitters, no conflicts (2 of 4 stars). 2 submissions from 2 submitters: Uncertain significance (2). Last evaluated 2026-04-26.

Conditions:
Familial cancer of breast. Also called: Hereditary breast cancer; hereditary breast carcinoma; BREAST CANCER, FAMILIAL. Identifiers: Orphanet 227535, MedGen C0346153, MONDO:0016419, OMIM 114480. Disease mechanism: loss of function.
Fanconi anemia complementation group J. Also called: BRIP1-Related Fanconi Anemia. Identifiers: Orphanet 84, MedGen C1836860, MONDO:0012187, OMIM 609054.

Allele frequency attached by ClinVar (database versions not stated): gnomAD exomes below 0.00001; ExAC 0.00001; TOPMed 0.00001; ESP Exome Variant Server 0.00008.

Submissions (2):

Women's Health and Genetics/Laboratory Corporation of America, LabCorp
Classification: Uncertain significance. Last evaluated: 2026-04-26. Review status: criteria provided, single submitter. Criteria: LabCorp Variant Classification Summary - May 2015. Collection method: clinical testing. Allele origin: germline.

Labcorp Genetics (formerly Invitae), Labcorp
Classification: Uncertain significance for Familial cancer of breast; Fanconi anemia complementation group J. Last evaluated: 2024-03-15. Review status: criteria provided, single submitter. Criteria: Invitae Variant Classification Sherloc (09022015). Collection method: clinical testing. Allele origin: germline.
Comment: This sequence change replaces glycine, which is neutral and non-polar, with alanine, which is neutral and non-polar, at codon 569 of the BRIP1 protein (p.Gly569Ala). This variant is present in population databases (rs373228183, gnomAD 0.007%). This variant has not been reported in the literature in individuals affected with BRIP1-related conditions. ClinVar contains an entry for this variant (Variation ID: 938830). Advanced modeling of protein sequence and biophysical properties (such as structural, functional, and spatial information, amino acid conservation, physicochemical variation, residue mobility, and thermodynamic stability) performed at Invitae indicates that this missense variant is not expected to disrupt BRIP1 protein function with a negative predictive value of 80%. In summary, the available evidence is currently insufficient to determine the role of this variant in disease. Therefore, it has been classified as a Variant of Uncertain Significance.

NM_032043.3(BRIP1):c.1706G>C (p.Gly569Ala)

Gene: BRIP1 (BRCA1 interacting DNA helicase 1; minus strand). Cytogenetic location: 17q23.2.
Variant type: single nucleotide variant.
Coding change: c.1706G>C on transcript NM_032043.3 (MANE Select); coding-DNA position 1706, G replaced by C.
Protein change: p.Gly569Ala; replaces glycine 569 with alanine.
Molecular consequence: missense variant.
Genome position (GRCh38, 1-based): chr17:61,780,928, C>G on the plus strand (G>C on the coding strand, the complement: BRIP1 is on the minus strand). VCF-style: chr17-61780928-C-G. GRCh37 (hg19) VCF-style: chr17-59858289-C-G.
Other names: short protein forms G569A.
Identifiers: ClinVar variation 938830 (VCV000938830.11), dbSNP rs373228183, ClinGen allele CA8690684.
Genomic context (GRCh38, chr17:61,780,928, plus strand): 5'-AGCACATGAACTGCAGTTTTCTGTCGTGAACGTTTCTTATTTTTTGGTAGAACCAACAAC[C>G]CATTTTTGTCTGAAATATCAATCTGATTTGTCCAGGAGTAAGTCTGTTGAATCGCAATTT-3'
Protein context (NP_114432.2, residues 559-579): TNQIDISDKN[Gly569Ala]LLVLPKNKKR